The following is an entry in ClinVar:

ClinVar aggregate classification (germline): Likely pathogenic (1 of 4 stars; one submission).

Conditions:
Short-rib thoracic dysplasia 10 with or without polydactyly (SRTD10). Identifiers: Orphanet 474, MedGen C3810175, MONDO:0014284, OMIM 615630.
Retinitis pigmentosa 71 (RP71). Identifiers: Orphanet 791, MedGen C4225342, MONDO:0014618, OMIM 616394.

Submission:

Labcorp Genetics (formerly Invitae), Labcorp
Classification: Likely pathogenic for Retinitis pigmentosa 71; Short-rib thoracic dysplasia 10 with or without polydactyly. Last evaluated: 2021-03-29. Review status: criteria provided, single submitter. Criteria: Invitae Variant Classification Sherloc (09022015). Collection method: clinical testing. Allele origin: germline.
Comment: This variant has not been reported in the literature in individuals with IFT172-related conditions. This variant is not present in population databases (ExAC no frequency). This sequence change affects a donor splice site in intron 23 of the IFT172 gene. It is expected to disrupt RNA splicing. Variants that disrupt the donor or acceptor splice site typically lead to a loss of protein function (PMID: 16199547), and loss-of-function variants in IFT172 are known to be pathogenic (PMID: 24140113). In summary, the currently available evidence indicates that the variant is pathogenic, but additional data are needed to prove that conclusively. Therefore, this variant has been classified as Likely Pathogenic. Algorithms developed to predict the effect of sequence changes on RNA splicing suggest that this variant may disrupt the consensus splice site, but this prediction has not been confirmed by published transcriptional studies.

Literature cited by the submitters: PubMed 16199547; PubMed 24140113.

NM_015662.3(IFT172):c.2521+1G>T

Gene: IFT172 (intraflagellar transport 172; minus strand). Cytogenetic location: 2p23.3.
Variant type: single nucleotide variant.
Coding change: c.2521+1G>T on transcript NM_015662.3 (MANE Select); the canonical splice donor site of the intron after coding-DNA position 2521, G replaced by T.
Molecular consequence: splice donor variant.
Genome position (GRCh38, 1-based): chr2:27,461,014, C>A on the plus strand (G>T on the coding strand, the complement: IFT172 is on the minus strand). VCF-style: chr2-27461014-C-A. GRCh37 (hg19) VCF-style: chr2-27683881-C-A.
Other names: c.2455+1G>T (NM_001410739.1).
Identifiers: ClinVar variation 1469425 (VCV001469425.8), dbSNP rs2148505406, ClinGen allele CA346383425.